The following is an entry in ClinVar:

ClinVar aggregate classification (germline): Likely benign. Review status: criteria provided, multiple submitters, no conflicts (2 of 4 stars). 2 submissions from 2 submitters: Likely benign (2). Last evaluated 2025-12-21.

Conditions:
GM1 gangliosidosis. Identifiers: Orphanet 354, MedGen C0085131, MONDO:0018149.
Mucopolysaccharidosis, MPS-IV-B (MPS4B). Also called: Mucopolysaccharidosis Type IVB (Morquio B Disease); MPS IVB; Mucopolysaccharidosis type IVB (Morquio); MORQUIO SYNDROME B; Mucopolysaccharidosis Type IVB; Mucopolysaccharidosis type IV B. Identifiers: Orphanet 309310, Orphanet 582, MedGen C0086652, MONDO:0009660, OMIM 253010.

Allele frequency attached by ClinVar (database versions not stated): gnomAD exomes below 0.00001.
gnomAD v4.1: 6 of 1,614,146 alleles (0.00037%); highest among the groups gnomAD compares: Middle Eastern, 0.099%; 1 homozygote.

Submissions (2):

Labcorp Genetics (formerly Invitae), Labcorp
Classification: Likely benign for Mucopolysaccharidosis, MPS-IV-B; GM1 gangliosidosis. Last evaluated: 2025-12-21. Review status: criteria provided, single submitter. Criteria: Invitae Variant Classification Sherloc (09022015). Collection method: clinical testing. Allele origin: germline.

CeGaT Center for Human Genetics Tuebingen
Classification: Likely benign. Last evaluated: 2023-05-01. Review status: criteria provided, single submitter. Criteria: CeGaT Center For Human Genetics Tuebingen Variant Classification Criteria Version 2. Collection method: clinical testing. Allele origin: germline. Affected: yes. Observed: 1 variant allele.
Comment: GLB1: BP4, BP7

NM_000404.4(GLB1):c.1557A>G (p.Ala519=)

Gene: GLB1 (galactosidase beta 1; minus strand). Cytogenetic location: 3p22.3.
Variant type: single nucleotide variant.
Coding change: c.1557A>G on transcript NM_000404.4 (MANE Select); coding-DNA position 1557, A replaced by G.
Protein change: p.Ala519=; no amino-acid change (alanine 519 retained).
Molecular consequence: synonymous variant.
Genome position (GRCh38, 1-based): chr3:33,014,233, T>C on the plus strand (A>G on the coding strand, the complement: GLB1 is on the minus strand). VCF-style: chr3-33014233-T-C. GRCh37 (hg19) VCF-style: chr3-33055725-T-C.
Other names: c.1467A>G, p.Ala489= (NM_001079811.3); c.1164A>G, p.Ala388= (NM_001135602.3); c.1701A>G, p.Ala567= (NM_001317040.2); c.1557A>G, p.Ala519= (NM_001393580.1).
Identifiers: ClinVar variation 2160273 (VCV002160273.28), dbSNP rs1296145480, ClinGen allele CA432952715.